The following is an entry in ClinVar:

NM_024537.4(CARS2):c.1084C>T (p.Gln362Ter)

Gene: CARS2 (cysteinyl-tRNA synthetase 2, mitochondrial; minus strand). Cytogenetic location: 13q34.
Variant type: single nucleotide variant.
Coding change: c.1084C>T on transcript NM_024537.4 (MANE Select); coding-DNA position 1084, C replaced by T.
Protein change: p.Gln362Ter; replaces glutamine 362 with a stop codon.
Molecular consequence: nonsense. On other transcripts: non-coding transcript variant (2).
Genome position (GRCh38, 1-based): chr13:110,647,210, G>A on the plus strand (C>T on the coding strand, the complement: CARS2 is on the minus strand). VCF-style: chr13-110647210-G-A. GRCh37 (hg19) VCF-style: chr13-111299557-G-A.
Other names: c.298C>T, p.Gln100Ter (NM_001352252.2); short protein forms Q100*, Q362*.
Identifiers: ClinVar variation 1193396 (VCV001193396.6), dbSNP rs1439475292, ClinGen allele CA388744292.
Genomic context (GRCh38, chr13:110,647,210, plus strand): 5'-TCATGTAGGCACGTGCGTCCTCCAGGAAAGAGCCCAGCCCCAGGAGCAGCTGCTGAGCTT[G>A]GAGCATGGCGCTGTCACTGTAGTCGATGGCTGAGGAGGAAGAGATGGTCACTGAGGCGGT-3'

ClinVar aggregate classification (germline): Conflicting classifications of pathogenicity. Review status: criteria provided, conflicting classifications (1 of 4 stars). 2 submissions from 2 submitters: Likely pathogenic (1); Uncertain significance (1). Last evaluated 2023-07-08.

Conditions:
Combined oxidative phosphorylation defect type 27. Also called: Combined oxidative phosphorylation deficiency 27. Identifiers: Orphanet 477774, MedGen C5567608, MONDO:0014728, OMIM 616672.

Allele frequency attached by ClinVar (database versions not stated): gnomAD exomes 0.00001; TOPMed 0.00001.
gnomAD v4.1: 4 of 1,613,262 alleles (0.00025%); highest among the groups gnomAD compares: Admixed American, 0.0067%; no homozygotes.

Submissions (2):

GeneDx
Classification: Likely pathogenic. Last evaluated: 2023-07-08. Review status: criteria provided, single submitter. Criteria: GeneDx Variant Classification Process June 2021. Collection method: clinical testing. Allele origin: germline. Affected: yes.
Comment: Nonsense variant predicted to result in protein truncation or nonsense mediated decay in a gene for which loss-of-function is a known mechanism of disease; Not observed at a significant frequency in large population cohorts (gnomAD); Has not been previously published as pathogenic or benign to our knowledge

Labcorp Genetics (formerly Invitae), Labcorp
Classification: Uncertain significance for Combined oxidative phosphorylation defect type 27. Last evaluated: 2021-08-18. Review status: criteria provided, single submitter. Criteria: Invitae Variant Classification Sherloc (09022015). Collection method: clinical testing. Allele origin: germline.
Comment: This sequence change creates a premature translational stop signal (p.Gln362*) in the CARS2 gene. It is expected to result in an absent or disrupted protein product. However, the current clinical and genetic evidence is not sufficient to establish whether loss-of-function variants in CARS2 cause disease. This variant is not present in population databases (ExAC no frequency). This variant has not been reported in the literature in individuals affected with CARS2-related conditions. In summary, the available evidence is currently insufficient to determine the role of this variant in disease. Therefore, it has been classified as a Variant of Uncertain Significance.